The following is an entry in ClinVar:

ClinVar aggregate classification (germline): Benign/Likely benign. Review status: criteria provided, multiple submitters, no conflicts (2 of 4 stars). 3 submissions from 3 submitters: Benign (1); Likely benign (2). Last evaluated 2026-08-01.

Conditions:
Hereditary nonpolyposis colorectal neoplasms. Identifiers: MedGen C0009405, MeSH D003123.
Lynch syndrome 5 (LYNCH5). Also called: Hereditary non-polyposis colorectal cancer, type 5; Colorectal cancer, hereditary nonpolyposis, type 5. Identifiers: Orphanet 144, MedGen C1833477, MONDO:0013710, OMIM 614350. Disease mechanism: loss of function.

Submissions (3):

CeGaT Center for Human Genetics Tuebingen
Classification: Likely benign. Last evaluated: 2026-08-01. Review status: criteria provided, single submitter. Criteria: CeGaT Center For Human Genetics Tuebingen Variant Classification Criteria Version 2. Collection method: clinical testing. Allele origin: germline. Affected: yes. Observed: 1 variant allele.
Comment: MSH6: PM2:Supporting, BP4, BP7

Myriad Genetics, Inc.
Classification: Benign for Lynch syndrome 5. Last evaluated: 2025-01-03. Review status: criteria provided, single submitter. Criteria: Myriad Autosomal Dominant, Autosomal Recessive and X-Linked Classification Criteria (2023). Collection method: clinical testing. Allele origin: unknown.
Comment: This variant is considered benign. This variant is a silent/synonymous amino acid change and it is not expected to impact splicing.

Labcorp Genetics (formerly Invitae), Labcorp
Classification: Likely benign for Hereditary nonpolyposis colorectal neoplasms. Last evaluated: 2023-08-16. Review status: criteria provided, single submitter. Criteria: Invitae Variant Classification Sherloc (09022015). Collection method: clinical testing. Allele origin: germline.

NM_000179.3(MSH6):c.2829C>T (p.Asp943=)

Gene: MSH6 (mutS homolog 6; plus strand). Cytogenetic location: 2p16.3.
Variant type: single nucleotide variant.
Coding change: c.2829C>T on transcript NM_000179.3 (MANE Select); coding-DNA position 2829, C replaced by T.
Protein change: p.Asp943=; no amino-acid change (aspartic acid 943 retained).
Molecular consequence: synonymous variant.
Genome position (GRCh38, 1-based): chr2:47,800,812, C>T. VCF-style: chr2-47800812-C-T. GRCh37 (hg19) VCF-style: chr2-48027951-C-T.
Other names: c.2439C>T, p.Asp813= (NM_001281492.2); c.1923C>T, p.Asp641= (NM_001281493.2, NM_001281494.2).
Identifiers: ClinVar variation 1160536 (VCV001160536.11), dbSNP rs2104426134, ClinGen allele CA426121798.
Genomic context (GRCh38, chr2:47,800,812, plus strand): 5'-GACTGGACTTATTACTCCCAAAGCAGGCTTTGACTCTGATTATGACCAAGCTCTTGCTGA[C>T]ATAAGAGAAAATGAACAGAGCCTCCTGGAATACCTAGAGAAACAGCGCAACAGAATTGGC-3'
Protein context (NP_000170.1, residues 933-953): FDSDYDQALA[Asp943=]IRENEQSLLE